The following is an entry in ClinVar:

ClinVar aggregate classification (germline): Uncertain significance. Review status: criteria provided, multiple submitters, no conflicts (2 of 4 stars). 2 submissions from 2 submitters: Uncertain significance (2). Last evaluated 2023-12-18.

Conditions:
Tuberous sclerosis syndrome (TSC). Also called: Tuberous sclerosis; Tuberous Sclerosis Complex. Identifiers: Orphanet 805, MedGen C0041341, MONDO:0001734.
Tuberous sclerosis 1 (TSC1). Identifiers: Orphanet 805, MedGen C1854465, MONDO:0008612, OMIM 191100.

Submissions (2):

All of Us Research Program, National Institutes of Health
Classification: Uncertain significance for Tuberous sclerosis syndrome. Last evaluated: 2023-12-18. Review status: criteria provided, single submitter. Criteria: ACMG Guidelines, 2015. Collection method: clinical testing. Allele origin: germline. Inheritance: Autosomal dominant inheritance. Observed: 1 variant allele, 1 heterozygote.
Comment: This missense variant replaces glutamic acid with glycine at codon 1049 of the TSC1 protein. Computational prediction suggests that this variant may not impact protein structure and function (internally defined REVEL score threshold <= 0.5, PMID: 27666373). To our knowledge, functional studies have not been reported for this variant. This variant has not been reported in individuals affected with TSC1-related disorders in the literature. This variant has not been identified in the general population by the Genome Aggregation Database (gnomAD). The available evidence is insufficient to determine the role of this variant in disease conclusively. Therefore, this variant is classified as a Variant of Uncertain Significance.

This study involves interpretation of variants in research participants for the purpose of population health screening. Participant phenotype was not available at the time of variant classification. Additional details can be found in publication PMID: 35346344, PMCID: PMC8962531

Labcorp Genetics (formerly Invitae), Labcorp
Classification: Uncertain significance for Tuberous sclerosis 1. Last evaluated: 2021-07-16. Review status: criteria provided, single submitter. Criteria: Invitae Variant Classification Sherloc (09022015). Collection method: clinical testing. Allele origin: germline.
Comment: In summary, the available evidence is currently insufficient to determine the role of this variant in disease. Therefore, it has been classified as a Variant of Uncertain Significance. Algorithms developed to predict the effect of missense changes on protein structure and function are either unavailable or do not agree on the potential impact of this missense change (SIFT: "Tolerated"; PolyPhen-2: "Probably Damaging"; Align-GVGD: "Class C0"). This variant has not been reported in the literature in individuals with TSC1-related conditions. This variant is not present in population databases (ExAC no frequency). This sequence change replaces glutamic acid with glycine at codon 1049 of the TSC1 protein (p.Glu1049Gly). The glutamic acid residue is moderately conserved and there is a moderate physicochemical difference between glutamic acid and glycine.

NM_000368.5(TSC1):c.3146A>G (p.Glu1049Gly)

Gene: TSC1 (TSC complex subunit 1; minus strand). Cytogenetic location: 9q34.13.
Variant type: single nucleotide variant.
Coding change: c.3146A>G on transcript NM_000368.5 (MANE Select); coding-DNA position 3146, A replaced by G.
Protein change: p.Glu1049Gly; replaces glutamic acid 1049 with glycine.
Molecular consequence: missense variant.
Genome position (GRCh38, 1-based): chr9:132,896,584, T>C on the plus strand (A>G on the coding strand, the complement: TSC1 is on the minus strand). VCF-style: chr9-132896584-T-C. GRCh37 (hg19) VCF-style: chr9-135771971-T-C.
Other names: c.3143A>G, p.Glu1048Gly (NM_001162426.2); c.2993A>G, p.Glu998Gly (NM_001162427.2); c.2783A>G, p.Glu928Gly (NM_001362177.2); short protein forms E1048G, E928G, E1049G, E998G.
Identifiers: ClinVar variation 1465728 (VCV001465728.9), dbSNP rs2131606041, ClinGen allele CA375367254.
Genomic context (GRCh38, chr9:132,896,584, plus strand): 5'-TCTCCCATAGTCGTCTCCCACCGACTGCTGAATGGGCCTGCCCTCTGGTGTGGGGGTTTC[T>C]CTGGGGTAGAAAGCTCGCTGCTGCTGCTGCTGCTGCCTCCACCACCTCTGCTTCCACTAC-3'
Protein context (NP_000359.1, residues 1039-1059): SSSSSELSTP[Glu1049Gly]KPPHQRAGPF